The following is an entry in ClinVar:

ClinVar aggregate classification (germline): Uncertain significance (1 of 4 stars; one submission).

Conditions:
Generalized epilepsy-paroxysmal dyskinesia syndrome (PNKD3). Also called: Generalized epilepsy and paroxysmal dyskinesia; Paroxysmal nonkinesigenic dyskinesia, 3, with or without generalized epilepsy. Identifiers: Orphanet 79137, MedGen C5574945, MONDO:0012276, OMIM 609446.

Submission:

Labcorp Genetics (formerly Invitae), Labcorp
Classification: Uncertain significance for Generalized epilepsy-paroxysmal dyskinesia syndrome. Last evaluated: 2020-01-23. Review status: criteria provided, single submitter. Criteria: Invitae Variant Classification Sherloc (09022015). Collection method: clinical testing. Allele origin: germline.
Comment: This sequence change replaces alanine with threonine at codon 38 of the KCNMA1 protein (p.Ala38Thr). The alanine residue is weakly conserved and there is a small physicochemical difference between alanine and threonine. In summary, the available evidence is currently insufficient to determine the role of this variant in disease. Therefore, it has been classified as a Variant of Uncertain Significance. Algorithms developed to predict the effect of missense changes on protein structure and function are either unavailable or do not agree on the potential impact of this missense change (SIFT: "Tolerated"; PolyPhen-2: "Possibly Damaging"; Align-GVGD: "Class C0"). This variant has not been reported in the literature in individuals with KCNMA1-related conditions. The frequency data for this variant in the population databases is considered unreliable, as metrics indicate poor data quality at this position in the ExAC database.

NM_001161352.2(KCNMA1):c.112G>A (p.Ala38Thr)

Gene: KCNMA1 (potassium calcium-activated channel subfamily M alpha 1; minus strand). Cytogenetic location: 10q22.3.
Variant type: single nucleotide variant.
Coding change: c.112G>A on transcript NM_001161352.2 (MANE Select); coding-DNA position 112, G replaced by A.
Protein change: p.Ala38Thr; replaces alanine 38 with threonine.
Molecular consequence: missense variant.
Genome position (GRCh38, 1-based): chr10:77,637,531, C>T on the plus strand (G>A on the coding strand, the complement: KCNMA1 is on the minus strand). VCF-style: chr10-77637531-C-T. GRCh37 (hg19) VCF-style: chr10-79397289-C-T.
Other names: c.112G>A, p.Ala38Thr (NM_001014797.3, NM_001161353.2, NM_001271518.2 and 12 more transcripts); short protein forms A38T.
Identifiers: ClinVar variation 1055102 (VCV001055102.11), dbSNP rs767099267, ClinGen allele CA5568808.
Genomic context (GRCh38, chr10:77,637,531, plus strand): 5'-AGGAGGAAGAGGAGGAGGAAGAAGAAGAAGAGGAAGAGGAGGAGGAGGAGGAGGAGGACG[C>T]GTCTAGGCTGAGATGGTTCGCGTGGATATTGCTACTCATTCTAAGACTGCTGCCTCCGCC-3'
Protein context (NP_001154824.1, residues 28-48): NIHANHLSLD[Ala38Thr]SSSSSSSSSS